The following is an entry in ClinVar:

NM_001005242.3(PKP2):c.1793A>G (p.Asn598Ser)

Gene: PKP2 (plakophilin 2; minus strand). Cytogenetic location: 12p11.21.
Variant type: single nucleotide variant.
Coding change: c.1793A>G on transcript NM_001005242.3 (MANE Select); coding-DNA position 1793, A replaced by G.
Protein change: p.Asn598Ser; replaces asparagine 598 with serine.
Molecular consequence: missense variant. On other transcripts: intron variant (1).
Genome position (GRCh38, 1-based): chr12:32,822,513, T>C on the plus strand (A>G on the coding strand, the complement: PKP2 is on the minus strand). VCF-style: chr12-32822513-T-C. GRCh37 (hg19) VCF-style: chr12-32975447-T-C.
Other names: c.1466A>G, p.Asn489Ser (NM_001407160.1, NM_001407162.1, NM_001407158.1 and 1 more transcripts); c.1793A>G, p.Asn598Ser (NM_001407161.1, NM_001407155.1); c.1925A>G, p.Asn642Ser (NM_004572.4, NM_001407157.1); c.1675-984A>G (NM_001407156.1); short protein forms N489S, N642S, N598S.
Identifiers: ClinVar variation 4138096 (VCV004138096.1).

ClinVar aggregate classification (germline): Uncertain significance (1 of 4 stars; one submission).

Conditions:
Cardiovascular phenotype. Identifiers: MedGen CN230736.

Submission:

Ambry Genetics
Classification: Uncertain significance for Cardiovascular phenotype. Last evaluated: 2025-07-21. Review status: criteria provided, single submitter. Criteria: Ambry Variant Classification Scheme 2023. Collection method: clinical testing. Allele origin: germline.
Comment: The p.N642S variant (also known as c.1925A>G), located in coding exon 9 of the PKP2 gene, results from an A to G substitution at nucleotide position 1925. The asparagine at codon 642 is replaced by serine, an amino acid with highly similar properties. This amino acid position is conserved. In addition, this alteration is predicted to be tolerated by in silico analysis. Based on the available evidence, the clinical significance of this variant remains unclear.